The following is an entry in ClinVar:

ClinVar aggregate classification (germline): Uncertain significance (1 of 4 stars; one submission).

Conditions:
Early-infantile DEE. Also called: Ohtahara syndrome; Early infantile epileptic encephalopathy with suppression bursts; Early infantile epileptic encephalopathy. Identifiers: Orphanet 1934, MedGen C0393706, MONDO:0800491.

Allele frequency attached by ClinVar (database versions not stated): ExAC 0.00001; gnomAD exomes 0.00001; TOPMed 0.00001.
gnomAD v4.1: 6 of 1,613,390 alleles (0.00037%); highest among the groups gnomAD compares: Admixed American, 0.0017%; no homozygotes.

Submission:

Labcorp Genetics (formerly Invitae), Labcorp
Classification: Uncertain significance for Early-infantile DEE. Last evaluated: 2020-03-02. Review status: criteria provided, single submitter. Criteria: Invitae Variant Classification Sherloc (09022015). Collection method: clinical testing. Allele origin: germline.
Comment: This sequence change replaces alanine with serine at codon 318 of the ARHGEF15 protein (p.Ala318Ser). The alanine residue is highly conserved and there is a moderate physicochemical difference between alanine and serine. This variant is present in population databases (rs755121072, ExAC 0.009%). This variant has not been reported in the literature in individuals with ARHGEF15-related conditions. Algorithms developed to predict the effect of missense changes on protein structure and function (SIFT, PolyPhen-2, Align-GVGD) all suggest that this variant is likely to be tolerated, but these predictions have not been confirmed by published functional studies and their clinical significance is uncertain. In summary, the available evidence is currently insufficient to determine the role of this variant in disease. Therefore, it has been classified as a Variant of Uncertain Significance.

NM_173728.4(ARHGEF15):c.952G>T (p.Ala318Ser)

Gene: ARHGEF15 (Rho guanine nucleotide exchange factor 15; plus strand). Cytogenetic location: 17p13.1.
Variant type: single nucleotide variant.
Coding change: c.952G>T on transcript NM_173728.4 (MANE Select); coding-DNA position 952, G replaced by T.
Protein change: p.Ala318Ser; replaces alanine 318 with serine.
Molecular consequence: missense variant.
Genome position (GRCh38, 1-based): chr17:8,313,518, G>T. VCF-style: chr17-8313518-G-T. GRCh37 (hg19) VCF-style: chr17-8216836-G-T.
Other names: c.952G>T, p.Ala318Ser (NM_025014.2); short protein forms A318S.
Identifiers: ClinVar variation 1010031 (VCV001010031.9), dbSNP rs755121072, ClinGen allele CA8375049.